The following is an entry in ClinVar:

NM_001012614.2(CTBP1):c.893A>G (p.Asn298Ser)

Genes: CTBP1 (C-terminal binding protein 1; minus strand), CTBP1-AS (CTBP1 antisense RNA; plus strand). Cytogenetic location: 4p16.3.
Variant type: single nucleotide variant.
Coding change: c.893A>G on transcript NM_001012614.2 (MANE Select); coding-DNA position 893, A replaced by G.
Protein change: p.Asn298Ser; replaces asparagine 298 with serine.
Molecular consequence: missense variant.
Genome position (GRCh38, 1-based): chr4:1,213,573, T>C on the plus strand (A>G on the coding strand, the complement: CTBP1 is on the minus strand). VCF-style: chr4-1213573-T-C. GRCh37 (hg19) VCF-style: chr4-1207361-T-C.
Other names: c.926A>G, p.Asn309Ser (NM_001328.3, NM_001377186.1); c.893A>G, p.Asn298Ser (NM_001377187.1, NM_001377188.1, NM_001377189.1 and 4 more transcripts); short protein forms N298S, N309S.
Identifiers: ClinVar variation 1698202 (VCV001698202.2), dbSNP rs2108702392, ClinGen allele CA355946247.

ClinVar aggregate classification (germline): Uncertain significance (1 of 4 stars; one submission).

Allele frequency attached by ClinVar (database versions not stated): gnomAD exomes below 0.00001.

Submission:

GeneDx
Classification: Uncertain significance. Last evaluated: 2022-01-21. Review status: criteria provided, single submitter. Criteria: GeneDx Variant Classification Process June 2021. Collection method: clinical testing. Allele origin: germline. Affected: yes.
Comment: Not observed at significant frequency in large population cohorts (gnomAD); In silico analysis supports that this missense variant has a deleterious effect on protein structure/function; Has not been previously published as pathogenic or benign to our knowledge